The following is an entry in ClinVar:

NM_007194.4(CHEK2):c.855C>T (p.Ile285=)

Gene: CHEK2 (checkpoint kinase 2; minus strand). Cytogenetic location: 22q12.1.
Variant type: single nucleotide variant.
Coding change: c.855C>T on transcript NM_007194.4 (MANE Select); coding-DNA position 855, C replaced by T.
Protein change: p.Ile285=; no amino-acid change (isoleucine 285 retained).
Molecular consequence: synonymous variant.
Genome position (GRCh38, 1-based): chr22:28,703,558, G>A on the plus strand (C>T on the coding strand, the complement: CHEK2 is on the minus strand). VCF-style: chr22-28703558-G-A. GRCh37 (hg19) VCF-style: chr22-29099546-G-A.
Other names: c.855C>T, p.Ile285= (NM_145862.3); c.984C>T, p.Ile328= (NM_001005735.3); c.192C>T, p.Ile64= (NM_001257387.3); c.654C>T, p.Ile218= (NM_001349956.3).
Identifiers: ClinVar variation 1608822 (VCV001608822.11), dbSNP rs756692505, ClinGen allele CA513945093.

ClinVar aggregate classification (germline): Conflicting classifications of pathogenicity. Review status: criteria provided, conflicting classifications (1 of 4 stars). 3 submissions from 3 submitters: Uncertain significance (1); Benign (1); Likely benign (1). Last evaluated 2024-10-03.

Conditions:
Hereditary cancer-predisposing syndrome. Also called: Tumor predisposition; Hereditary Cancer Syndrome; Neoplastic Syndromes, Hereditary; Hereditary neoplastic syndrome. Identifiers: Orphanet 140162, MedGen C0027672, MeSH D009386, MONDO:0015356.
Familial cancer of breast. Also called: BREAST CANCER, FAMILIAL; Hereditary breast cancer; hereditary breast carcinoma. Identifiers: Orphanet 227535, MedGen C0346153, MONDO:0016419, OMIM 114480. Disease mechanism: loss of function.

Submissions (3):

Myriad Genetics, Inc.
Classification: Benign for Familial cancer of breast. Last evaluated: 2024-10-03. Review status: criteria provided, single submitter. Criteria: Myriad Autosomal Dominant, Autosomal Recessive and X-Linked Classification Criteria (2023). Collection method: clinical testing. Allele origin: unknown.
Comment: This variant is considered benign. This variant is a silent/synonymous amino acid change and it is not expected to impact splicing.

Ambry Genetics
Classification: Uncertain significance for Hereditary cancer-predisposing syndrome. Last evaluated: 2024-04-12. Review status: criteria provided, single submitter. Criteria: Ambry Variant Classification Scheme 2023. Collection method: clinical testing. Allele origin: germline.
Comment: The c.855C>T variant (also known as p.I285I), located in coding exon 7 of the CHEK2 gene, results from a C to T substitution at nucleotide position 855. This nucleotide substitution does not change the at codon 285. This nucleotide position is well conserved in available vertebrate species. In silico splice site analysis predicts that this alteration may weaken the native splice acceptor site. Based on the available evidence, the clinical significance of this variant remains unclear.

Labcorp Genetics (formerly Invitae), Labcorp
Classification: Likely benign for Familial cancer of breast. Last evaluated: 2022-03-08. Review status: criteria provided, single submitter. Criteria: Invitae Variant Classification Sherloc (09022015). Collection method: clinical testing. Allele origin: germline.